The following is an entry in ClinVar:

NM_015272.5(RPGRIP1L):c.1246C>T (p.Gln416Ter)

Gene: RPGRIP1L (RPGRIP1 like; minus strand). Cytogenetic location: 16q12.2.
Variant type: single nucleotide variant.
Coding change: c.1246C>T on transcript NM_015272.5 (MANE Select); coding-DNA position 1246, C replaced by T.
Protein change: p.Gln416Ter; replaces glutamine 416 with a stop codon.
Molecular consequence: nonsense.
Genome position (GRCh38, 1-based): chr16:53,658,876, G>A on the plus strand (C>T on the coding strand, the complement: RPGRIP1L is on the minus strand). VCF-style: chr16-53658876-G-A. GRCh37 (hg19) VCF-style: chr16-53692788-G-A.
Other names: c.1246C>T, p.Gln416Ter (NM_001127897.4, NM_001308334.3, NM_001330538.2); short protein forms Q416*.
Identifiers: ClinVar variation 2952235 (VCV002952235.3), dbSNP rs1263265387, ClinGen allele CA395920629.
Genomic context (GRCh38, chr16:53,658,876, plus strand): 5'-GCTTTTGTTCCAGATACTGTAACTGTAGTTCTCTATTCTCTTGAACGAGTTTTTCATTTT[G>A]ATCTTAAAAATAAAGTCCACACAATTGGAAAGGTAAGTAAAAATCAGGTTTAAGGACACA-3'

ClinVar aggregate classification (germline): Pathogenic (1 of 4 stars; one submission).

Conditions:
Joubert syndrome. Also called: CEREBELLOPARENCHYMAL DISORDER IV; JOUBERT-BOLTSHAUSER SYNDROME; Familial aplasia of the vermis. Identifiers: Orphanet 475, MedGen C5979921, MONDO:0018772.
Meckel-Gruber syndrome. Also called: DYSENCEPHALIA SPLANCHNOCYSTICA; GRUBER SYNDROME; Dysencephalia splachnocystica. Identifiers: Orphanet 564, MedGen C0265215, MONDO:0018921.

gnomAD v4.1: 2 of 1,574,330 alleles (0.00013%); highest among the groups gnomAD compares: Non-Finnish European, 0.00017%; no homozygotes.

Submission:

Labcorp Genetics (formerly Invitae), Labcorp
Classification: Pathogenic for Joubert syndrome; Meckel-Gruber syndrome. Last evaluated: 2023-09-24. Review status: criteria provided, single submitter. Criteria: Invitae Variant Classification Sherloc (09022015). Collection method: clinical testing. Allele origin: germline.
Comment: This sequence change creates a premature translational stop signal (p.Gln416*) in the RPGRIP1L gene. It is expected to result in an absent or disrupted protein product. Loss-of-function variants in RPGRIP1L are known to be pathogenic (PMID: 17558409). For these reasons, this variant has been classified as Pathogenic. This variant has not been reported in the literature in individuals affected with RPGRIP1L-related conditions. This variant is not present in population databases (gnomAD no frequency).

Literature cited by the submitters: PubMed 17558409.